The following is an entry in ClinVar:

ClinVar aggregate classification (germline): Uncertain significance (1 of 4 stars; one submission).

Submission:

Labcorp Genetics (formerly Invitae), Labcorp
Classification: Uncertain significance. Last evaluated: 2022-10-25. Review status: criteria provided, single submitter. Criteria: Invitae Variant Classification Sherloc (09022015). Collection method: clinical testing. Allele origin: germline.
Comment: This sequence change creates a premature translational stop signal (p.Val102Glufs*2) in the PCK2 gene. It is expected to result in an absent or disrupted protein product. However, the current clinical and genetic evidence is not sufficient to establish whether loss-of-function variants in PCK2 cause disease. In summary, the available evidence is currently insufficient to determine the role of this variant in disease. Therefore, it has been classified as a Variant of Uncertain Significance. Algorithms developed to predict the effect of sequence changes on RNA splicing suggest that this variant may disrupt the consensus splice site. This variant has not been reported in the literature in individuals affected with PCK2-related conditions. This variant is not present in population databases (gnomAD no frequency).

NM_004563.4(PCK2):c.303_309del (p.Val102fs)

Genes: NRL (neural retina leucine zipper; minus strand), PCK2 (phosphoenolpyruvate carboxykinase 2, mitochondrial; plus strand). Cytogenetic location: 14q11.2.
Variant type: Deletion.
Coding change: c.303_309del on transcript NM_004563.4 (MANE Select); coding-DNA positions 303 to 309, 7 bases deleted (TGTGGCA; older notation c.303_309delTGTGGCA).
Protein change: p.Val102fs; shifts the reading frame from valine 102.
Molecular consequence: frameshift variant. On other transcripts: 5 prime UTR variant (2), intron variant (3).
Genome position (GRCh38, 1-based): chr14:24,098,230-24,098,236, TGTGGCA deleted; deleting any 7 consecutive bases within chr14:24,098,229-24,098,236 gives the same sequence; the c. name uses the placement nearest the transcript's 3' end. VCF-style (leftmost placement, unchanged base first): chr14-24098228-GATGTGGC-G. GRCh37 (hg19) VCF-style: chr14-24567437-GATGTGGC-G.
Other names: c.-100_-94del (NM_001308054.2, NM_001291556.2); c.-27-15360_-27-15354del (NM_001354768.3, NM_001354770.2); c.-253-13490_-253-13484del (NM_006177.5); c.303_309del, p.Val102fs (NM_001018073.3); short protein forms V102fs.
Identifiers: ClinVar variation 2163728 (VCV002163728.4), dbSNP rs2502629003, ClinGen allele CA2580087915.